The following is an entry in ClinVar:

ClinVar aggregate classification (germline): Likely benign (1 of 4 stars; one submission).

Allele frequency attached by ClinVar (database versions not stated): gnomAD exomes 0.00031; ExAC 0.00079; 1000 Genomes Project 0.00140; 1000 Genomes Project 30x 0.00187; gnomAD 0.00230; ESP Exome Variant Server 0.00231; TOPMed 0.00269.
gnomAD v4.1: 828 of 1,613,850 alleles (0.051%); highest among the groups gnomAD compares: African/African-American, 0.77%; 3 homozygotes.

Submission:

CeGaT Center for Human Genetics Tuebingen
Classification: Likely benign. Last evaluated: 2022-12-01. Review status: criteria provided, single submitter. Criteria: CeGaT Center For Human Genetics Tuebingen Variant Classification Criteria Version 2. Collection method: clinical testing. Allele origin: germline. Affected: yes. Observed: 1 variant allele.
Comment: NUP210: BP4, BP7

NM_024923.4(NUP210):c.3300C>T (p.Ser1100=)

Gene: NUP210 (nucleoporin 210; minus strand). Cytogenetic location: 3p25.1.
Variant type: single nucleotide variant.
Coding change: c.3300C>T on transcript NM_024923.4 (MANE Select); coding-DNA position 3300, C replaced by T.
Protein change: p.Ser1100=; no amino-acid change (serine 1100 retained).
Molecular consequence: synonymous variant.
Genome position (GRCh38, 1-based): chr3:13,340,025, G>A on the plus strand (C>T on the coding strand, the complement: NUP210 is on the minus strand). VCF-style: chr3-13340025-G-A. GRCh37 (hg19) VCF-style: chr3-13381525-G-A.
Identifiers: ClinVar variation 2653571 (VCV002653571.24), dbSNP rs112614885, ClinGen allele CA2263490.
Genomic context (GRCh38, chr3:13,340,025, plus strand): 5'-CGCAACGCTCTCATTGCTGATGGAGAAAAGGATGTTGGACTGAGGCTGGGGGCCGCCCTC[G>A]GAGGTGACCTGAGCGGGGAGGAAACAGCGGCGTGTCAGTGCCCGTCATGCCAGGCAGCCC-3'
Protein context (NP_079199.2, residues 1090-1110): LLIGATMQVT[Ser1100=]EGGPQPQSNI